The following is an entry in ClinVar:

NM_020975.6(RET):c.1702G>A (p.Gly568Ser)

Gene: RET (ret proto-oncogene; plus strand). Cytogenetic location: 10q11.21.
Variant type: single nucleotide variant.
Coding change: c.1702G>A on transcript NM_020975.6 (MANE Select); coding-DNA position 1702, G replaced by A.
Protein change: p.Gly568Ser; replaces glycine 568 with serine.
Molecular consequence: missense variant.
Genome position (GRCh38, 1-based): chr10:43,112,906, G>A. VCF-style: chr10-43112906-G-A. GRCh37 (hg19) VCF-style: chr10-43608354-G-A.
Other names: p.Gly568Ser; c.1702G>A, p.Gly568Ser (NM_000323.2, NM_001406743.1, NM_001406744.1 and 6 more transcripts); c.940G>A, p.Gly314Ser (NM_001355216.2); c.1573G>A, p.Gly525Ser (NM_001406761.1, NM_001406762.1, NM_001406764.1 and 1 more transcripts); c.1264G>A, p.Gly422Ser (NM_001406773.1, NM_001406771.1); c.1177G>A, p.Gly393Ser (NM_001406774.1); c.976G>A, p.Gly326Ser (NM_001406775.1, NM_001406776.1, NM_001406777.1 and 1 more transcripts); c.805G>A, p.Gly269Ser (NM_001406779.1, NM_001406780.1, NM_001406781.1 and 3 more transcripts); and 6 more; short protein forms G568S, G314S, G238S, G326S, G436S, G472S, G85S, G393S.
Identifiers: ClinVar variation 132762 (VCV000132762.29), dbSNP rs140464432, ClinGen allele CA007718.
Genomic context (GRCh38, chr10:43,112,906, plus strand): 5'-TGTGCAGGGATCACCAGGAACTTCTCCACCTGCTCTCCCAGCACCAAGACCTGCCCCGAC[G>A]GCCACTGCGATGTTGTGGAGACCCAAGACATCAACATTTGCCCTCAGGACTGCCTCCGTA-3'
Protein context (NP_066124.1, residues 558-578): CSPSTKTCPD[Gly568Ser]HCDVVETQDI

ClinVar aggregate classification (germline): Conflicting classifications of pathogenicity. Review status: criteria provided, conflicting classifications (1 of 4 stars). 11 submissions from 11 submitters: Uncertain significance (9); Likely benign (1). 1 of the submissions does not count toward it. Last evaluated 2026-05-22.

Conditions:
Pheochromocytoma. Also called: MAX-Related Hereditary Paraganglioma-Pheochromocytoma Syndrome. Identifiers: Orphanet 29072, MedGen C0031511, MONDO:0008233, OMIM 171300, HP:0002666.
Hirschsprung disease, susceptibility to, 1 (HSCR1). Also called: RET-Related Hirschsprung Disease. Identifiers: Orphanet 388, MedGen C3888239, MONDO:0007723, OMIM 142623.
Familial medullary thyroid carcinoma (MTC). Also called: Thyroid cancer, familial medullary; MTC, familial; Familial Medullary Thyroid Carcinoma (FMTC). Identifiers: Orphanet 653, Orphanet 99361, MedGen C1833921, MONDO:0007958, OMIM 155240.
Multiple endocrine neoplasia type 2B. Also called: MEN IIB; NEUROMATA, MUCOSAL, WITH ENDOCRINE TUMORS; WAGENMANN-FROBOESE SYNDROME; MULTIPLE ENDOCRINE NEOPLASIA, TYPE III; MULTIPLE ENDOCRINE NEOPLASIA, TYPE IIB; MEN 2B. Identifiers: Orphanet 247709, Orphanet 653, MedGen C0025269, MeSH D018814, MONDO:0008082, OMIM 162300.
Multiple endocrine neoplasia type 2A. Also called: Multiple Endocrine Neoplasia Type 2A (MEN2A); MULTIPLE ENDOCRINE NEOPLASIA, TYPE IIA; PTC SYNDROME; SIPPLE SYNDROME; MEN 2A; MEN-2A syndrome. Identifiers: Orphanet 247698, Orphanet 653, MedGen C0025268, MeSH D018813, MONDO:0008234, OMIM 171400.
RET-related disorder. Also called: RET-related disorders; RET-related condition; RET-related disease.
Hereditary cancer-predisposing syndrome. Also called: Tumor predisposition; Hereditary neoplastic syndrome; Hereditary Cancer Syndrome; Neoplastic Syndromes, Hereditary. Identifiers: Orphanet 140162, MedGen C0027672, MeSH D009386, MONDO:0015356.
Multiple endocrine neoplasia, type 2 (MEN2). Identifiers: Orphanet 653, MedGen C4048306, MONDO:0019003. Disease mechanism: gain of function.

Allele frequency attached by ClinVar (database versions not stated): ExAC 0.00006; gnomAD exomes 0.00008 and 0.00006; TOPMed 0.00006; gnomAD 0.00007; ESP Exome Variant Server 0.00008.
gnomAD v4.1: 138 of 1,613,984 alleles (0.0086%); highest among the groups gnomAD compares: East Asian, 0.02%; no homozygotes.

Submissions (11):

PreventionGenetics, part of Exact Sciences
Classification: Uncertain significance for RET-related condition. Last evaluated: 2026-05-22. Review status: criteria provided, single submitter. Criteria: ACMG Guidelines, 2015. Collection method: clinical testing. Allele origin: germline.
Comment: The RET c.1702G>A variant is predicted to result in the amino acid substitution p.Gly568Ser. This variant has been reported in an individual with kidney and urinary tract abnormalities (CAKUT) (Supplementary Table 3, Liu et al. 2022. PubMed ID: 36549658) and in an individual with Hirschsprung disease (Table S4, Tang et al. 2018. PubMed ID: 30217742). This variant is reported in 0.030% of alleles in individuals of East Asian descent in gnomAD and has conflicting interpretations of likely benign and uncertain in ClinVar (Variation ID: 132762). At this time, the clinical significance of this variant is uncertain due to the absence of conclusive functional and genetic evidence.

Labcorp Genetics (formerly Invitae), Labcorp
Classification: Uncertain significance for Multiple endocrine neoplasia, type 2. Last evaluated: 2026-01-31. Review status: criteria provided, single submitter. Criteria: Invitae Variant Classification Sherloc (09022015). Collection method: clinical testing. Allele origin: germline.
Comment: This sequence change replaces glycine, which is neutral and non-polar, with serine, which is neutral and polar, at codon 568 of the RET protein (p.Gly568Ser). This variant is present in population databases (rs140464432, gnomAD 0.03%). This missense change has been observed in individual(s) with Hirschsprung disease (PMID: 30217742). ClinVar contains an entry for this variant (Variation ID: 132762). An algorithm developed to predict the effect of missense changes on protein structure and function outputs the following: PolyPhen-2: "Possibly Damaging". The serine amino acid residue is found in multiple mammalian species, which suggests that this missense change does not adversely affect protein function. In summary, the available evidence is currently insufficient to determine the role of this variant in disease. Therefore, it has been classified as a Variant of Uncertain Significance.

Color Diagnostics, LLC DBA Color Health
Classification: Uncertain significance for Multiple endocrine neoplasia, type 2. Last evaluated: 2025-05-27. Review status: criteria provided, single submitter. Criteria: ACMG Guidelines, 2015. Collection method: clinical testing. Allele origin: germline.
Comment: This missense variant replaces glycine with serine at codon 568 of the RET protein. Computational prediction suggests that this variant may not impact protein structure and function. A functional study has reported that this variant results in the ectopic activation of RET kinase activity (PMID: 36166639). This variant has not been reported in individuals affected with RET-related disorders in the literature. This variant has been identified in 18/282748 chromosomes in the general population by the Genome Aggregation Database (gnomAD). The available evidence is insufficient to determine the role of this variant in disease conclusively. Therefore, this variant is classified as a Variant of Uncertain Significance.

Mayo Clinic Laboratories, Mayo Clinic
Classification: Uncertain significance. Last evaluated: 2025-02-09. Review status: criteria provided, single submitter. Criteria: ACMG Guidelines, 2015. Collection method: clinical testing. Allele origin: germline. Observed: 1 variant allele.
Comment: BS1

Fulgent Genetics
Classification: Uncertain significance for Hirschsprung disease, susceptibility to, 1; Familial medullary thyroid carcinoma; Multiple endocrine neoplasia type 2B; Pheochromocytoma; Multiple endocrine neoplasia type 2A. Last evaluated: 2024-04-23. Review status: criteria provided, single submitter. Criteria: ACMG Guidelines, 2015. Collection method: clinical testing. Allele origin: germline.

GeneDx
Classification: Uncertain significance. Last evaluated: 2024-04-02. Review status: criteria provided, single submitter. Criteria: GeneDx Variant Classification Process June 2021. Collection method: clinical testing. Allele origin: germline. Affected: yes.
Comment: In silico analysis supports that this missense variant does not alter protein structure/function; Reported in an individual with vesicoureteral reflux (PMID: 36549658); This variant is associated with the following publications: (PMID: 36705391, 14633923, 36549658)

Quest Diagnostics Nichols Institute San Juan Capistrano
Classification: Uncertain significance. Last evaluated: 2024-03-27. Review status: criteria provided, single submitter. Criteria: Quest Diagnostics criteria. Collection method: clinical testing. Allele origin: unknown.

Sema4
Classification: Uncertain significance for Hereditary cancer-predisposing syndrome. Last evaluated: 2021-12-18. Review status: criteria provided, single submitter. Criteria: Sema4 Curation Guidelines. Collection method: curation. Allele origin: germline.
Comment: The RET c.1702G>A (p.G568S) variant has not been reported in the literature to our knowledge. It was observed in 6/19952 chromosomes of the East Asian subpopulation in the large and broad cohorts of the Genome Aggregation Database (PMID: 32461654). The variant has been reported in ClinVar (Variation ID 132762). Functional studies have not been performed, and in silico predictions of the variant's effect on protein function are inconclusive. The evidence is insufficient to meet ACMG/AMP criteria for classifying the variant as benign or pathogenic. Thus, the clinical significance of this variant is currently uncertain.

Ambry Genetics
Classification: Likely benign for Hereditary cancer-predisposing syndrome. Last evaluated: 2020-10-22. Review status: criteria provided, single submitter. Criteria: Ambry Variant Classification Scheme 2023. Collection method: clinical testing. Allele origin: germline.

Eurofins Ntd Llc (ga)
Classification: Uncertain significance. Last evaluated: 2016-03-01. Review status: criteria provided, single submitter. Criteria: EGL Classification Definitions 2015. Collection method: clinical testing. Allele origin: germline. Observed: 1 variant allele, 1 heterozygote.

Counsyl
Classification: Uncertain significance for Multiple endocrine neoplasia type 2A. Last evaluated: 2017-03-14. Review status: no assertion criteria provided. Collection method: clinical testing. Allele origin: unknown. Not counted in ClinVar's aggregate classification.

Literature cited by the submitters: PubMed 30217742 (cited by Labcorp Genetics (formerly Invitae), Labcorp and Quest Diagnostics Nichols Institute San Juan Capistrano); PubMed 36166639 (cited by Color Diagnostics, LLC DBA Color Health); PubMed 36549658 (cited by Mayo Clinic Laboratories, Mayo Clinic and Quest Diagnostics Nichols Institute San Juan Capistrano); PubMed 36705391 (cited by Quest Diagnostics Nichols Institute San Juan Capistrano); PubMed 24336963 (cited by Quest Diagnostics Nichols Institute San Juan Capistrano); PubMed 31015309 (cited by Quest Diagnostics Nichols Institute San Juan Capistrano).